The following is an entry in ClinVar:

ClinVar aggregate classification (germline): Benign/Likely benign. Review status: criteria provided, multiple submitters, no conflicts (2 of 4 stars). 2 submissions from 2 submitters: Benign (1); Likely benign (1). Last evaluated 2025-03-20.

Conditions:
Familial thoracic aortic aneurysm and aortic dissection (TAAD). Also called: Thoracic aortic aneurysms and dissections. Identifiers: Orphanet 91387, MedGen C4707243, MONDO:0019625.
Hereditary cancer-predisposing syndrome. Also called: Hereditary neoplastic syndrome; Neoplastic Syndromes, Hereditary; Tumor predisposition; Hereditary Cancer Syndrome. Identifiers: Orphanet 140162, MedGen C0027672, MeSH D009386, MONDO:0015356.
Juvenile polyposis/hereditary hemorrhagic telangiectasia syndrome (JPHT). Also called: JP/HHT SYNDROME; JUVENILE POLYPOSIS WITH HEREDITARY HEMORRHAGIC TELANGIECTASIA; POLYPOSIS, GENERALIZED JUVENILE, WITH PULMONARY ARTERIOVENOUS MALFORMATION; TELANGIECTASIA, HEREDITARY HEMORRHAGIC, WITH JUVENILE POLYPOSIS COLI; Juvenile Polyposis Syndrome / Hereditary Hemorrhagic Telangiectasia (JPS/HHT). Identifiers: Orphanet 2929, MedGen C1832942, MONDO:0008278, OMIM 175050.

Allele frequency attached by ClinVar (database versions not stated): gnomAD exomes below 0.00001.
gnomAD v4.1: 3 of 1,608,830 alleles (0.00019%); highest among the groups gnomAD compares: Non-Finnish European, 0.00025%; no homozygotes.

Submissions (2):

Myriad Genetics, Inc.
Classification: Benign for Juvenile polyposis/hereditary hemorrhagic telangiectasia syndrome. Last evaluated: 2025-03-20. Review status: criteria provided, single submitter. Criteria: Myriad Autosomal Dominant, Autosomal Recessive and X-Linked Classification Criteria (2023). Collection method: clinical testing. Allele origin: unknown.
Comment: This variant is considered benign. This variant is a silent/synonymous amino acid change and it is not expected to impact splicing.

Ambry Genetics
Classification: Likely benign for Hereditary cancer-predisposing syndrome; Familial thoracic aortic aneurysm and aortic dissection. Last evaluated: 2015-11-13. Review status: criteria provided, single submitter. Criteria: Ambry Variant Classification Scheme 2023. Collection method: clinical testing. Allele origin: germline.

NM_005359.6(SMAD4):c.897A>T (p.Gly299=)

Gene: SMAD4 (SMAD family member 4; plus strand). Cytogenetic location: 18q21.2.
Variant type: single nucleotide variant.
Coding change: c.897A>T on transcript NM_005359.6 (MANE Select); coding-DNA position 897, A replaced by T.
Protein change: p.Gly299=; no amino-acid change (glycine 299 retained).
Molecular consequence: synonymous variant. On other transcripts: non-coding transcript variant (2).
Genome position (GRCh38, 1-based): chr18:51,058,449, A>T. VCF-style: chr18-51058449-A-T. GRCh37 (hg19) VCF-style: chr18-48584819-A-T.
Other names: c.897A>T, p.Gly299= (NM_001407041.1, NM_001407042.1, NM_001407043.1).
Identifiers: ClinVar variation 1765301 (VCV001765301.3), dbSNP rs1474007516, ClinGen allele CA503994138.